The following is an entry in ClinVar:

ClinVar aggregate classification (germline): Uncertain significance (1 of 4 stars; one submission).

Submission:

Labcorp Genetics (formerly Invitae), Labcorp
Classification: Uncertain significance. Last evaluated: 2022-05-20. Review status: criteria provided, single submitter. Criteria: Invitae Variant Classification Sherloc (09022015). Collection method: clinical testing. Allele origin: germline.
Comment: This variant has not been reported in the literature in individuals affected with MDH2-related conditions. In summary, the available evidence is currently insufficient to determine the role of this variant in disease. Therefore, it has been classified as a Variant of Uncertain Significance. Algorithms developed to predict the effect of missense changes on protein structure and function are either unavailable or do not agree on the potential impact of this missense change (SIFT: "Deleterious"; PolyPhen-2: "Probably Damaging"; Align-GVGD: "Class C0"). This variant is not present in population databases (gnomAD no frequency). This sequence change replaces serine, which is neutral and polar, with tyrosine, which is neutral and polar, at codon 261 of the MDH2 protein (p.Ser261Tyr).

NM_005918.4(MDH2):c.782C>A (p.Ser261Tyr)

Gene: MDH2 (malate dehydrogenase 2; plus strand). Cytogenetic location: 7q11.23.
Variant type: single nucleotide variant.
Coding change: c.782C>A on transcript NM_005918.4 (MANE Select); coding-DNA position 782, C replaced by A.
Protein change: p.Ser261Tyr; replaces serine 261 with tyrosine.
Molecular consequence: missense variant.
Genome position (GRCh38, 1-based): chr7:76,064,850, C>A. VCF-style: chr7-76064850-C-A. GRCh37 (hg19) VCF-style: chr7-75694168-C-A.
Other names: c.656C>A, p.Ser219Tyr (NM_001282403.2); c.461C>A, p.Ser154Tyr (NM_001282404.2); short protein forms S219Y, S261Y, S154Y.
Identifiers: ClinVar variation 1997053 (VCV001997053.4), dbSNP rs1554587599, ClinGen allele CA367768208.